The following is an entry in ClinVar:

NM_004564.3(GATB):c.1187T>C (p.Phe396Ser)

Gene: GATB (glutamyl-tRNA amidotransferase subunit B; minus strand). Cytogenetic location: 4q31.3.
Variant type: single nucleotide variant.
Coding change: c.1187T>C on transcript NM_004564.3 (MANE Select); coding-DNA position 1187, T replaced by C.
Protein change: p.Phe396Ser; replaces phenylalanine 396 with serine.
Molecular consequence: missense variant.
Genome position (GRCh38, 1-based): chr4:151,701,339, A>G on the plus strand (T>C on the coding strand, the complement: GATB is on the minus strand). VCF-style: chr4-151701339-A-G. GRCh37 (hg19) VCF-style: chr4-152622491-A-G.
Other names: c.1187T>C, p.Phe396Ser (NM_001363341.2); short protein forms F396S.
Identifiers: ClinVar variation 3350673 (VCV003350673.3).

ClinVar aggregate classification (germline): Uncertain significance. Review status: criteria provided, multiple submitters, no conflicts (2 of 4 stars). 2 submissions from 2 submitters: Uncertain significance (2). Last evaluated 2025-07-14.

Conditions:
GATB-related disorder. Also called: GATB-related condition.

gnomAD v4.1: 22 of 1,552,810 alleles (0.0014%); highest among the groups gnomAD compares: African/African-American, 0.029%; no homozygotes.

Submissions (2):

PreventionGenetics, part of Exact Sciences
Classification: Uncertain significance for GATB-related condition. Last evaluated: 2025-07-14. Review status: criteria provided, single submitter. Criteria: ACMG Guidelines, 2015. Collection method: clinical testing. Allele origin: germline.
Comment: The GATB c.1187T>C variant is predicted to result in the amino acid substitution p.Phe396Ser. To our knowledge, this variant has not been reported in the literature. This variant is reported in 0.035% of alleles in individuals of African descent in gnomAD. At this time, the clinical significance of this variant is uncertain due to the absence of conclusive functional and genetic evidence.

Ambry Genetics
Classification: Uncertain significance. Last evaluated: 2025-05-13. Review status: criteria provided, single submitter. Criteria: Ambry Variant Classification Scheme 2023. Collection method: clinical testing. Allele origin: germline.